The following is an entry in ClinVar:

NM_000059.4(BRCA2):c.1346T>G (p.Ile449Ser)

Gene: BRCA2 (BRCA2 DNA repair associated; plus strand). Cytogenetic location: 13q13.1.
Variant type: single nucleotide variant.
Coding change: c.1346T>G on transcript NM_000059.4 (MANE Select); coding-DNA position 1346, T replaced by G.
Protein change: p.Ile449Ser; replaces isoleucine 449 with serine.
Molecular consequence: missense variant.
Genome position (GRCh38, 1-based): chr13:32,332,824, T>G. VCF-style: chr13-32332824-T-G. GRCh37 (hg19) VCF-style: chr13-32906961-T-G.
Other names: c.1346T>G, p.Ile449Ser (NM_001406719.1, NM_001406720.1, NM_001406721.1); short protein forms I449S.
Identifiers: ClinVar variation 1770484 (VCV001770484.4), dbSNP rs55955023, ClinGen allele CA387762755.

ClinVar aggregate classification (germline): Conflicting classifications of pathogenicity. Review status: criteria provided, conflicting classifications (1 of 4 stars). 2 submissions from 2 submitters: Uncertain significance (1); Likely benign (1). Last evaluated 2023-03-23.

Conditions:
Hereditary cancer-predisposing syndrome. Also called: Hereditary Cancer Syndrome; Hereditary neoplastic syndrome; Neoplastic Syndromes, Hereditary; Tumor predisposition. Identifiers: Orphanet 140162, MedGen C0027672, MeSH D009386, MONDO:0015356.

Submissions (2):

University of Washington Department of Laboratory Medicine, University of Washington
Classification: Likely benign for Hereditary cancer-predisposing syndrome. Last evaluated: 2023-03-23. Review status: criteria provided, single submitter. Criteria: Dines et al. (Genet Med. 2020). Collection method: curation. Allele origin: germline.
Comment: Missense variant in a coldspot region where missense variants are very unlikely to be pathogenic (PMID:31911673).

BRCA2 exon 10 coldspot. Reclassification based on statistical prior probability.

Ambry Genetics
Classification: Uncertain significance for Hereditary cancer-predisposing syndrome. Last evaluated: 2021-01-27. Review status: criteria provided, single submitter. Criteria: Ambry Variant Classification Scheme 2023. Collection method: clinical testing. Allele origin: germline.
Comment: The p.I449S variant (also known as c.1346T>G), located in coding exon 9 of the BRCA2 gene, results from a T to G substitution at nucleotide position 1346. The isoleucine at codon 449 is replaced by serine, an amino acid with dissimilar properties. This amino acid position is not well conserved in available vertebrate species. In addition, this alteration is predicted to be tolerated by in silico analysis. Since supporting evidence is limited at this time, the clinical significance of this alteration remains unclear.